The following is an entry in ClinVar:

NM_025114.4(CEP290):c.1825-346T>A

Gene: CEP290 (centrosomal protein 290; minus strand). Cytogenetic location: 12q21.32.
Variant type: single nucleotide variant.
Coding change: c.1825-346T>A on transcript NM_025114.4 (MANE Select); 346 bases into the intron before coding-DNA position 1825, T replaced by A.
Molecular consequence: intron variant.
Genome position (GRCh38, 1-based): chr12:88,115,528, A>T on the plus strand (T>A on the coding strand, the complement: CEP290 is on the minus strand). VCF-style: chr12-88115528-A-T. GRCh37 (hg19) VCF-style: chr12-88509305-A-T.
Identifiers: ClinVar variation 3341790 (VCV003341790.16).
Genomic context (GRCh38, chr12:88,115,528, plus strand): 5'-TTTACACTACCTGTTCTGCCTGGCTTCTGTGATGTTCAAGCTCTATATCTGCATTTCTAC[A>T]CTCTGCTTCTTTGATCAAGAATTCCTGTGCTATGATTTCATTCTAAAGAAAAATTTAATA-3'

ClinVar aggregate classification (germline): Uncertain significance (1 of 4 stars; one submission).

gnomAD v4.1: 139 of 1,293,726 alleles (0.011%); highest among the groups gnomAD compares: Admixed American, 0.0046%; no homozygotes.

Submission:

CeGaT Center for Human Genetics Tuebingen
Classification: Uncertain significance. Last evaluated: 2024-08-01. Review status: criteria provided, single submitter. Criteria: CeGaT Center For Human Genetics Tuebingen Variant Classification Criteria Version 2. Collection method: clinical testing. Allele origin: germline. Affected: yes. Observed: 1 variant allele.
Comment: CEP290: PM2